The following is an entry in ClinVar:

NM_014727.3(KMT2B):c.4571+15G>C

Gene: KMT2B (lysine methyltransferase 2B; plus strand). Cytogenetic location: 19q13.12.
Variant type: single nucleotide variant.
Coding change: c.4571+15G>C on transcript NM_014727.3 (MANE Select); 15 bases into the intron after coding-DNA position 4571, G replaced by C.
Molecular consequence: intron variant.
Genome position (GRCh38, 1-based): chr19:35,728,186, G>C. VCF-style: chr19-35728186-G-C. GRCh37 (hg19) VCF-style: chr19-36219087-G-C.
Identifiers: ClinVar variation 3648871 (VCV003648871.2).
Genomic context (GRCh38, chr19:35,728,186, plus strand): 5'-ACGCCCACGACCCCAAGTACTGGCGACGGAGTACCCGGCTGCCAAAGTGAGCAAGGCTGG[G>C]TAGCAGAAGGGAAGCCGGGGAGTGAGGGCAAGGCCAGGGCATGCAGGGGCCACGCTGGGC-3'

ClinVar aggregate classification (germline): Uncertain significance (1 of 4 stars; one submission).

Submission:

Labcorp Genetics (formerly Invitae), Labcorp
Classification: Uncertain significance. Last evaluated: 2024-04-05. Review status: criteria provided, single submitter. Criteria: Invitae Variant Classification Sherloc (09022015). Collection method: clinical testing. Allele origin: germline.
Comment: This sequence change falls in intron 19 of the KMT2B gene. It does not directly change the encoded amino acid sequence of the KMT2B protein. This variant is present in population databases (no rsID available, gnomAD 0.007%). This variant has not been reported in the literature in individuals affected with KMT2B-related conditions. Algorithms developed to predict the effect of sequence changes on RNA splicing suggest that this variant may create or strengthen a splice site. In summary, the available evidence is currently insufficient to determine the role of this variant in disease. Therefore, it has been classified as a Variant of Uncertain Significance.